The following is an entry in ClinVar:

NM_015122.3(FCHO1):c.430C>T (p.Arg144Cys)

Gene: FCHO1 (FCH and mu domain containing endocytic adaptor 1; plus strand). Cytogenetic location: 19p13.11.
Variant type: single nucleotide variant.
Coding change: c.430C>T on transcript NM_015122.3 (MANE Select); coding-DNA position 430, C replaced by T.
Protein change: p.Arg144Cys; replaces arginine 144 with cysteine.
Molecular consequence: missense variant. On other transcripts: non-coding transcript variant (36).
Genome position (GRCh38, 1-based): chr19:17,770,518, C>T. VCF-style: chr19-17770518-C-T. GRCh37 (hg19) VCF-style: chr19-17881327-C-T.
Other names: c.430C>T, p.Arg144Cys (NM_001161357.2, NM_001161358.2, NM_001384370.1 and 26 more transcripts); c.280C>T, p.Arg94Cys (NM_001161359.2, NM_001384384.1, NM_001384385.1 and 3 more transcripts); c.391C>T, p.Arg131Cys (NM_001384405.1, NM_001384388.1, NM_001384389.1); c.355C>T, p.Arg119Cys (NM_001384390.1); short protein forms R144C, R119C, R131C, R94C.
Identifiers: ClinVar variation 1489087 (VCV001489087.6), dbSNP rs757233894, ClinGen allele CA9300084.
Genomic context (GRCh38, chr19:17,770,518, plus strand): 5'-GTGCAGGTACTCTCGGGCGTCAGCCAGCTCCTGCCCAAGTCCCGCGAGAACTACCTGAAC[C>T]GTTGCATGGACCAGGAGCGGCTGCGGAGGGAGAGTACCAGCCAGAAGGAGATGGACAAGG-3'
Protein context (NP_055937.1, residues 134-154): LPKSRENYLN[Arg144Cys]CMDQERLRRE

ClinVar aggregate classification (germline): Uncertain significance (1 of 4 stars; one submission).

Allele frequency attached by ClinVar (database versions not stated): gnomAD 0.00001; gnomAD exomes 0.00001; ExAC 0.00002; TOPMed 0.00002.
gnomAD v4.1: 14 of 1,613,802 alleles (0.00087%); highest among the groups gnomAD compares: Admixed American, 0.0017%; no homozygotes.

Submission:

Labcorp Genetics (formerly Invitae), Labcorp
Classification: Uncertain significance. Last evaluated: 2022-05-06. Review status: criteria provided, single submitter. Criteria: Invitae Variant Classification Sherloc (09022015). Collection method: clinical testing. Allele origin: germline.
Comment: In summary, the available evidence is currently insufficient to determine the role of this variant in disease. Therefore, it has been classified as a Variant of Uncertain Significance. Algorithms developed to predict the effect of missense changes on protein structure and function (SIFT, PolyPhen-2, Align-GVGD) all suggest that this variant is likely to be disruptive. This variant has not been reported in the literature in individuals affected with FCHO1-related conditions. This variant is present in population databases (rs757233894, gnomAD 0.003%). This sequence change replaces arginine, which is basic and polar, with cysteine, which is neutral and slightly polar, at codon 144 of the FCHO1 protein (p.Arg144Cys).